The following is an entry in ClinVar:

NM_001122630.2(CDKN1C):c.262C>T (p.Arg88Cys)

Gene: CDKN1C (cyclin dependent kinase inhibitor 1C; minus strand). Cytogenetic location: 11p15.4.
Variant type: single nucleotide variant.
Coding change: c.262C>T on transcript NM_001122630.2 (MANE Select); coding-DNA position 262, C replaced by T.
Protein change: p.Arg88Cys; replaces arginine 88 with cysteine.
Molecular consequence: missense variant. On other transcripts: intron variant (1).
Genome position (GRCh38, 1-based): chr11:2,885,195, G>A on the plus strand (C>T on the coding strand, the complement: CDKN1C is on the minus strand). VCF-style: chr11-2885195-G-A. GRCh37 (hg19) VCF-style: chr11-2906425-G-A.
Other names: c.295C>T, p.Arg99Cys (LRG_533t1, NM_000076.2, NM_001362474.2); c.262C>T, p.Arg88Cys (NM_001122631.2); c.255+7C>T (NM_001362475.2); short protein forms R99C, R88C.
Identifiers: ClinVar variation 654566 (VCV000654566.10), dbSNP rs1356534188, ClinGen allele CA379147041.

ClinVar aggregate classification (germline): Uncertain significance (1 of 4 stars; one submission).

Conditions:
Beckwith-Wiedemann syndrome (BWS). Also called: Exomphalos macroglossia gigantism syndrome; EMG SYNDROME. Identifiers: Orphanet 116, MedGen C0004903, MONDO:0007534, OMIM 130650.

Allele frequency attached by ClinVar (database versions not stated): TOPMed below 0.00001; gnomAD 0.00001; gnomAD exomes 0.00001.

Submission:

Labcorp Genetics (formerly Invitae), Labcorp
Classification: Uncertain significance for Beckwith-Wiedemann syndrome. Last evaluated: 2023-07-17. Review status: criteria provided, single submitter. Criteria: Invitae Variant Classification Sherloc (09022015). Collection method: clinical testing. Allele origin: germline.
Comment: ClinVar contains an entry for this variant (Variation ID: 654566). In summary, the available evidence is currently insufficient to determine the role of this variant in disease. Therefore, it has been classified as a Variant of Uncertain Significance. Advanced modeling of protein sequence and biophysical properties (such as structural, functional, and spatial information, amino acid conservation, physicochemical variation, residue mobility, and thermodynamic stability) performed at Invitae indicates that this missense variant is not expected to disrupt CDKN1C protein function. This variant has not been reported in the literature in individuals affected with CDKN1C-related conditions. The frequency data for this variant in the population databases is considered unreliable, as metrics indicate poor data quality at this position in the gnomAD database. This sequence change replaces arginine, which is basic and polar, with cysteine, which is neutral and slightly polar, at codon 99 of the CDKN1C protein (p.Arg99Cys).